The following is an entry in ClinVar:

ClinVar aggregate classification (germline): Uncertain significance (1 of 4 stars; one submission).

Conditions:
Developmental and epileptic encephalopathy, 36 (DEE36). Also called: ALG13-CDG; Epileptic encephalopathy, early infantile, 36; Congenital disorder of glycosylation, type Is. Identifiers: Orphanet 324422, MedGen C4317295, MONDO:0010472, OMIM 300884.

gnomAD v4.1: 2 of 1,139,457 alleles (0.00018%); highest among the groups gnomAD compares: Non-Finnish European, 0.00012%; no homozygotes.

Submission:

Labcorp Genetics (formerly Invitae), Labcorp
Classification: Uncertain significance for Developmental and epileptic encephalopathy, 36. Last evaluated: 2023-10-22. Review status: criteria provided, single submitter. Criteria: Invitae Variant Classification Sherloc (09022015). Collection method: clinical testing. Allele origin: germline.
Comment: This sequence change replaces proline, which is neutral and non-polar, with serine, which is neutral and polar, at codon 943 of the ALG13 protein (p.Pro943Ser). This variant is not present in population databases (gnomAD no frequency). This variant has not been reported in the literature in individuals affected with ALG13-related conditions. Algorithms developed to predict the effect of missense changes on protein structure and function output the following: SIFT: "Not Available"; PolyPhen-2: "Benign"; Align-GVGD: "Not Available". The serine amino acid residue is found in multiple mammalian species, which suggests that this missense change does not adversely affect protein function. In summary, the available evidence is currently insufficient to determine the role of this variant in disease. Therefore, it has been classified as a Variant of Uncertain Significance.

NM_001099922.3(ALG13):c.2827C>T (p.Pro943Ser)

Gene: ALG13 (ALG13 UDP-N-acetylglucosaminyltransferase subunit; plus strand). Cytogenetic location: Xq23.
Variant type: single nucleotide variant.
Coding change: c.2827C>T on transcript NM_001099922.3 (MANE Select); coding-DNA position 2827, C replaced by T.
Protein change: p.Pro943Ser; replaces proline 943 with serine.
Molecular consequence: missense variant. On other transcripts: intron variant (5).
Genome position (GRCh38, 1-based): chrX:111,744,799, C>T. VCF-style: chrX-111744799-C-T. GRCh37 (hg19) VCF-style: chrX-110988027-C-T.
Other names: c.2593C>T, p.Pro865Ser (NM_001257231.2); c.2383+7920C>T (NM_001257230.2, NM_001257237.2, NM_001257234.2); c.2209+7920C>T (NM_001324293.1); c.2695+7920C>T (NM_001324292.2); short protein forms P865S, P943S.
Identifiers: ClinVar variation 2697883 (VCV002697883.3), dbSNP rs887315764, ClinGen allele CA414291594.